The following is an entry in ClinVar:

ClinVar aggregate classification (germline): Likely benign. Review status: criteria provided, multiple submitters, no conflicts (2 of 4 stars). 4 submissions from 4 submitters: Likely benign (3). 1 of the submissions does not count toward it. Last evaluated 2025-09-24.

Conditions:
Colorectal cancer, susceptibility to, 12 (CRCS12). Also called: COLORECTAL CANCER, SUSCEPTIBILITY TO, ON CHROMOSOME 12q24. Identifiers: Orphanet 220460, MedGen C3554460, MONDO:0014038, OMIM 615083.
Familial colorectal cancer type X. Identifiers: Orphanet 440437, MedGen C3896578, MONDO:0018604.

Allele frequency attached by ClinVar (database versions not stated): gnomAD 0.00001; gnomAD exomes 0.00002 and 0.00004; ExAC 0.00007.
gnomAD v4.1: 24 of 1,605,246 alleles (0.0015%); highest among the groups gnomAD compares: East Asian, 0.054%; no homozygotes.

Submissions (4):

Labcorp Genetics (formerly Invitae), Labcorp
Classification: Likely benign. Last evaluated: 2025-09-24. Review status: criteria provided, single submitter. Criteria: Invitae Variant Classification Sherloc (09022015). Collection method: clinical testing. Allele origin: germline.

Department of Pathology and Laboratory Medicine, Sinai Health System
Classification: Likely benign for Familial colorectal cancer type X. Last evaluated: 2024-05-14. Review status: criteria provided, single submitter. Criteria: ACMG Guidelines, 2015. Collection method: clinical testing. Allele origin: germline. Affected: yes.

GeneDx
Classification: Likely benign. Last evaluated: 2016-05-26. Review status: criteria provided, single submitter. Criteria: GeneDx Variant Classification (06012015). Collection method: clinical testing. Allele origin: germline. Affected: yes.
Comment: This variant is considered likely benign or benign based on one or more of the following criteria: it is a conservative change, it occurs at a poorly conserved position in the protein, it is predicted to be benign by multiple in silico algorithms, and/or has population frequency not consistent with disease.

Counsyl
Classification: Likely benign for Colorectal cancer, susceptibility to, 12. Last evaluated: 2016-07-13. Review status: no assertion criteria provided. Collection method: clinical testing. Allele origin: unknown. Not counted in ClinVar's aggregate classification.

NM_006231.4(POLE):c.4149+12C>G

Gene: POLE (DNA polymerase epsilon, catalytic subunit; minus strand). Cytogenetic location: 12q24.33.
Variant type: single nucleotide variant.
Coding change: c.4149+12C>G on transcript NM_006231.4 (MANE Select); 12 bases into the intron after coding-DNA position 4149, C replaced by G.
Molecular consequence: intron variant.
Genome position (GRCh38, 1-based): chr12:132,648,917, G>C on the plus strand (C>G on the coding strand, the complement: POLE is on the minus strand). VCF-style: chr12-132648917-G-C. GRCh37 (hg19) VCF-style: chr12-133225503-G-C.
Identifiers: ClinVar variation 371884 (VCV000371884.11), dbSNP rs566422403, ClinGen allele CA6892986.